The following is an entry in ClinVar:

NM_005475.3(SH2B3):c.1553G>T (p.Arg518Leu)

Gene: SH2B3 (SH2B adaptor protein 3; plus strand). Cytogenetic location: 12q24.12.
Variant type: single nucleotide variant.
Coding change: c.1553G>T on transcript NM_005475.3 (MANE Select); coding-DNA position 1553, G replaced by T.
Protein change: p.Arg518Leu; replaces arginine 518 with leucine.
Molecular consequence: missense variant.
Genome position (GRCh38, 1-based): chr12:111,448,127, G>T. VCF-style: chr12-111448127-G-T. GRCh37 (hg19) VCF-style: chr12-111885931-G-T.
Other names: c.947G>T, p.Arg316Leu (NM_001291424.1); short protein forms R316L, R518L.
Identifiers: ClinVar variation 3953420 (VCV003953420.1).

ClinVar aggregate classification (germline): Uncertain significance (1 of 4 stars; one submission).

Conditions:
Inborn genetic diseases. Identifiers: MedGen C0950123, MeSH D030342.

Submission:

Ambry Genetics
Classification: Uncertain significance for Inborn genetic diseases. Last evaluated: 2025-04-04. Review status: criteria provided, single submitter. Criteria: Ambry Variant Classification Scheme 2023. Collection method: clinical testing. Allele origin: germline.
Comment: The p.R518L variant (also known as c.1553G>T), located in coding exon 7 of the SH2B3 gene, results from a G to T substitution at nucleotide position 1553. The arginine at codon 518 is replaced by leucine, an amino acid with dissimilar properties. This amino acid position is conserved. In addition, this alteration is predicted to be tolerated by in silico analysis. Based on the available evidence, the clinical significance of this variant remains unclear.